The following is an entry in ClinVar:

ClinVar aggregate classification (germline): Benign. Review status: criteria provided, multiple submitters, no conflicts (2 of 4 stars). 2 submissions from 2 submitters: Benign (2). Last evaluated 2018-06-14.

Allele frequency attached by ClinVar (database versions not stated): 1000 Genomes Project 30x 0.93535; gnomAD 0.94357 and 0.94557; TOPMed 0.94840; 1000 Genomes Project 0.93530.
gnomAD v4.1: 142,380 of 150,684 alleles (94%); highest among the groups gnomAD compares: Admixed American, 98%; 67,325 homozygotes.

Submissions (2):

GeneDx
Classification: Benign. Last evaluated: 2018-06-14. Review status: criteria provided, single submitter. Criteria: GeneDx Variant Classification (06012015). Collection method: clinical testing. Allele origin: germline. Affected: yes.
Comment: This variant is considered likely benign or benign based on one or more of the following criteria: it is a conservative change, it occurs at a poorly conserved position in the protein, it is predicted to be benign by multiple in silico algorithms, and/or has population frequency not consistent with disease.

Breakthrough Genomics
Classification: Benign. Review status: criteria provided, single submitter. Criteria: ACMG Guidelines, 2015. Collection method: not provided. Allele origin: germline. Inheritance: Autosomal recessive inheritance. Affected: yes.

NM_153676.4(USH1C):c.2547-183C>G

Gene: USH1C (USH1 protein network component harmonin; minus strand). Cytogenetic location: 11p15.1.
Variant type: single nucleotide variant.
Coding change: c.2547-183C>G on transcript NM_153676.4 (MANE Select); 183 bases into the intron before coding-DNA position 2547, C replaced by G.
Molecular consequence: intron variant.
Genome position (GRCh38, 1-based): chr11:17,495,860, G>C on the plus strand (C>G on the coding strand, the complement: USH1C is on the minus strand). VCF-style: chr11-17495860-G-C. GRCh37 (hg19) VCF-style: chr11-17517407-G-C.
Other names: c.1589+898C>G (NM_001297764.2); c.1646+898C>G (NM_005709.4).
Identifiers: ClinVar variation 678883 (VCV000678883.2), dbSNP rs1859824, ClinGen allele CA218480991.
Genomic context (GRCh38, chr11:17,495,860, plus strand): 5'-AATTAGGAGCTGCGAGACCCTGGTTTCTCCAAGACATGTGTAGAGCTCAGATTCTGCTGG[G>C]CACGGGGAGCAAGCAGGCCCAGCCACGACAGGGAGGCAGGGCATGGTCAGTGAGTGGGTG-3'